The following is an entry in ClinVar:

NM_000075.4(CDK4):c.848G>A (p.Arg283Gln)

Genes: TSPAN31 (tetraspanin 31; plus strand), CDK4 (cyclin dependent kinase 4; minus strand). Cytogenetic location: 12q14.1.
Variant type: single nucleotide variant.
Coding change: c.848G>A on transcript NM_000075.4 (MANE Select); coding-DNA position 848, G replaced by A.
Protein change: p.Arg283Gln; replaces arginine 283 with glutamine.
Molecular consequence: missense variant. On other transcripts: 3 prime UTR variant (3).
Genome position (GRCh38, 1-based): chr12:57,748,589, C>T on the plus strand (G>A on the coding strand, the complement: CDK4 is on the minus strand). VCF-style: chr12-57748589-C-T. GRCh37 (hg19) VCF-style: chr12-58142372-C-T.
Other names: c.*1299C>T (NM_001330168.2, NM_001330169.2, NM_005981.5); short protein forms R283Q.
Identifiers: ClinVar variation 822506 (VCV000822506.11), dbSNP rs1595107806, ClinGen allele CA385542478.
Genomic context (GRCh38, chr12:57,748,589, plus strand): 5'-TCCGGATTACCTTCATCCTTATGTAGATAAGAGTGCTGCAGAGCTCGAAAGGCAGAGATT[C>T]GCTTGTGTGGGTTAAAAGTCAGCATTTCCTGAGGGGAGAGGCAAAGGTCAGAAAACCATG-3'
Protein context (NP_000066.1, residues 273-293): LEMLTFNPHK[Arg283Gln]ISAFRALQHS

ClinVar aggregate classification (germline): Uncertain significance. Review status: criteria provided, multiple submitters, no conflicts (2 of 4 stars). 2 submissions from 2 submitters: Uncertain significance (2). Last evaluated 2024-11-11.

Conditions:
Hereditary cancer-predisposing syndrome. Also called: Tumor predisposition; Hereditary Cancer Syndrome; Neoplastic Syndromes, Hereditary; Hereditary neoplastic syndrome. Identifiers: Orphanet 140162, MedGen C0027672, MeSH D009386, MONDO:0015356.
Familial melanoma. Also called: Hereditary melanoma; Hereditary cutaneous melanoma. Identifiers: Orphanet 618, MedGen C1512419, MONDO:0018961.

Submissions (2):

Ambry Genetics
Classification: Uncertain significance for Hereditary cancer-predisposing syndrome. Last evaluated: 2024-11-11. Review status: criteria provided, single submitter. Criteria: Ambry Variant Classification Scheme 2023. Collection method: clinical testing. Allele origin: germline.
Comment: The p.R283Q variant (also known as c.848G>A), located in coding exon 7 of the CDK4 gene, results from a G to A substitution at nucleotide position 848. The arginine at codon 283 is replaced by glutamine, an amino acid with highly similar properties. This amino acid position is highly conserved in available vertebrate species. In addition, this alteration is predicted to be deleterious by in silico analysis. Based on the available evidence, the clinical significance of this variant remains unclear.

Labcorp Genetics (formerly Invitae), Labcorp
Classification: Uncertain significance for Familial melanoma. Last evaluated: 2022-11-11. Review status: criteria provided, single submitter. Criteria: Invitae Variant Classification Sherloc (09022015). Collection method: clinical testing. Allele origin: germline.
Comment: In summary, the available evidence is currently insufficient to determine the role of this variant in disease. Therefore, it has been classified as a Variant of Uncertain Significance. Advanced modeling of protein sequence and biophysical properties (such as structural, functional, and spatial information, amino acid conservation, physicochemical variation, residue mobility, and thermodynamic stability) performed at Invitae indicates that this missense variant is expected to disrupt CDK4 protein function. This sequence change replaces arginine, which is basic and polar, with glutamine, which is neutral and polar, at codon 283 of the CDK4 protein (p.Arg283Gln). This variant is not present in population databases (gnomAD no frequency). This variant has not been reported in the literature in individuals affected with CDK4-related conditions. ClinVar contains an entry for this variant (Variation ID: 822506).